The following is an entry in ClinVar:

ClinVar aggregate classification (germline): Uncertain significance. Review status: criteria provided, multiple submitters, no conflicts (2 of 4 stars). 2 submissions from 2 submitters: Uncertain significance (2). Last evaluated 2025-10-23.

Conditions:
Hereditary cancer-predisposing syndrome. Also called: Neoplastic Syndromes, Hereditary; Hereditary neoplastic syndrome; Tumor predisposition; Hereditary Cancer Syndrome. Identifiers: Orphanet 140162, MedGen C0027672, MeSH D009386, MONDO:0015356.
Cardiovascular phenotype. Identifiers: MedGen CN230736.
Neurofibromatosis, type 1 (NF1). Also called: Peripheral type neurofibromatosis; VON RECKLINGHAUSEN DISEASE; Neurofibromatosis, type I; NEUROFIBROMATOSIS, TYPE I, SOMATIC. Identifiers: Orphanet 636, MedGen C0027831, MONDO:0018975, OMIM 162200. Disease mechanism: loss of function.

Allele frequency attached by ClinVar (database versions not stated): gnomAD exomes below 0.00001.

Submissions (2):

Labcorp Genetics (formerly Invitae), Labcorp
Classification: Uncertain significance for Neurofibromatosis, type 1. Last evaluated: 2025-10-23. Review status: criteria provided, single submitter. Criteria: Invitae Variant Classification Sherloc (09022015). Collection method: clinical testing. Allele origin: germline.
Comment: This sequence change replaces aspartic acid, which is acidic and polar, with asparagine, which is neutral and polar, at codon 241 of the NF1 protein (p.Asp241Asn). This variant is not present in population databases (gnomAD no frequency). This missense change has been observed in individual(s) with Neurofibromatosis, type 1 (PMID: 27838393). ClinVar contains an entry for this variant (Variation ID: 840582). Invitae Evidence Modeling of protein sequence and biophysical properties (such as structural, functional, and spatial information, amino acid conservation, physicochemical variation, residue mobility, and thermodynamic stability) indicates that this missense variant is expected to disrupt NF1 protein function with a positive predictive value of 95%. In summary, the available evidence is currently insufficient to determine the role of this variant in disease. Therefore, it has been classified as a Variant of Uncertain Significance.

Ambry Genetics
Classification: Uncertain significance for Cardiovascular phenotype; Hereditary cancer-predisposing syndrome. Last evaluated: 2023-05-15. Review status: criteria provided, single submitter. Criteria: Ambry Variant Classification Scheme 2023. Collection method: clinical testing. Allele origin: germline.
Comment: The p.D241N variant (also known as c.721G>A), located in coding exon 7 of the NF1 gene, results from a G to A substitution at nucleotide position 721. The aspartic acid at codon 241 is replaced by asparagine, an amino acid with highly similar properties. This alteration was identified in an individual with a clinical diagnosis of Neurofibromatosis Type 1 (NF1) (Cal&igrave; F et al. Eur J Med Genet, 2017 Feb;60:93-99). This amino acid position is highly conserved in available vertebrate species. In addition, this alteration is predicted to be tolerated by in silico analysis. Since supporting evidence is limited at this time, the clinical significance of this alteration remains unclear.

Literature cited by the submitters: PubMed 27838393 (cited by Labcorp Genetics (formerly Invitae), Labcorp).

NM_001042492.3(NF1):c.721G>A (p.Asp241Asn)

Gene: NF1 (neurofibromin 1; plus strand). Cytogenetic location: 17q11.2.
Variant type: single nucleotide variant.
Coding change: c.721G>A on transcript NM_001042492.3 (MANE Select); coding-DNA position 721, G replaced by A.
Protein change: p.Asp241Asn; replaces aspartic acid 241 with asparagine.
Molecular consequence: missense variant.
Genome position (GRCh38, 1-based): chr17:31,181,776, G>A. VCF-style: chr17-31181776-G-A. GRCh37 (hg19) VCF-style: chr17-29508794-G-A.
Other names: c.721G>A, p.Asp241Asn (NM_000267.4, NM_001128147.3); short protein forms D241N.
Identifiers: ClinVar variation 840582 (VCV000840582.7), dbSNP rs2066139718, ClinGen allele CA398990177.